The following is an entry in ClinVar:

ClinVar aggregate classification (germline): Uncertain significance. Review status: criteria provided, multiple submitters, no conflicts (2 of 4 stars). 3 submissions from 3 submitters: Uncertain significance (3). Last evaluated 2026-02-12.

Conditions:
Inborn genetic diseases. Identifiers: MedGen C0950123, MeSH D030342.

Allele frequency attached by ClinVar (database versions not stated): gnomAD exomes 0.00008 and 0.00012; gnomAD 0.00012 and 0.00013; 1000 Genomes Project 30x 0.00016; ExAC 0.00019; 1000 Genomes Project 0.00020; TOPMed 0.00024; ESP Exome Variant Server 0.00012.
gnomAD v4.1: 133 of 1,612,408 alleles (0.0082%); highest among the groups gnomAD compares: East Asian, 0.078%; no homozygotes.

Submissions (3):

GeneDx
Classification: Uncertain significance. Last evaluated: 2026-02-12. Review status: criteria provided, single submitter. Criteria: GeneDx Variant Classification Process June 2021. Collection method: clinical testing. Allele origin: germline.
Comment: In silico analysis suggests that this missense variant does not alter protein structure/function; Has not been previously published as pathogenic or benign to our knowledge

Labcorp Genetics (formerly Invitae), Labcorp
Classification: Uncertain significance. Last evaluated: 2023-08-17. Review status: criteria provided, single submitter. Criteria: Invitae Variant Classification Sherloc (09022015). Collection method: clinical testing. Allele origin: germline.
Comment: Advanced modeling of protein sequence and biophysical properties (such as structural, functional, and spatial information, amino acid conservation, physicochemical variation, residue mobility, and thermodynamic stability) performed at Invitae indicates that this missense variant is not expected to disrupt VARS2 protein function. In summary, the available evidence is currently insufficient to determine the role of this variant in disease. Therefore, it has been classified as a Variant of Uncertain Significance. This sequence change replaces serine, which is neutral and polar, with leucine, which is neutral and non-polar, at codon 862 of the VARS2 protein (p.Ser862Leu). This variant is present in population databases (rs138341222, gnomAD 0.07%). This variant has not been reported in the literature in individuals affected with VARS2-related conditions. ClinVar contains an entry for this variant (Variation ID: 1377009).

Ambry Genetics
Classification: Uncertain significance for Inborn genetic diseases. Last evaluated: 2023-04-25. Review status: criteria provided, single submitter. Criteria: Ambry Variant Classification Scheme 2023. Collection method: clinical testing. Allele origin: germline.
Comment: The c.2585C>T (p.S862L) alteration is located in exon 26 (coding exon 26) of the VARS2 gene. This alteration results from a C to T substitution at nucleotide position 2585, causing the serine (S) at amino acid position 862 to be replaced by a leucine (L). Based on data from the Genome Aggregation Database (gnomAD) database, the VARS2 c.2585C>T alteration was observed in 0.01% (32/274818) of total alleles studied, with a frequency of 0.06% (12/19828) in the East Asian subpopulation. This amino acid position is not well conserved in available vertebrate species. The p.S862L alteration is predicted to be tolerated by in silico analysis. Based on insufficient or conflicting evidence, the clinical significance of this alteration remains unclear.

NM_020442.6(VARS2):c.2495C>T (p.Ser832Leu)

Gene: VARS2 (valyl-tRNA synthetase 2, mitochondrial; plus strand). Cytogenetic location: 6p21.33.
Variant type: single nucleotide variant.
Coding change: c.2495C>T on transcript NM_020442.6 (MANE Select); coding-DNA position 2495, C replaced by T.
Protein change: p.Ser832Leu; replaces serine 832 with leucine.
Molecular consequence: missense variant.
Genome position (GRCh38, 1-based): chr6:30,924,382, C>T. VCF-style: chr6-30924382-C-T. GRCh37 (hg19) VCF-style: chr6-30892159-C-T.
Other names: c.2075C>T, p.Ser692Leu (NM_001167733.3); c.2585C>T, p.Ser862Leu (NM_001167734.2); c.2585C>T (NM_001167734.1); short protein forms S832L, S692L, S862L.
Identifiers: ClinVar variation 1377009 (VCV001377009.10), dbSNP rs138341222, ClinGen allele CA3706289.